The following is an entry in ClinVar:

NM_019098.5(CNGB3):c.208C>T (p.Gln70Ter)

Gene: CNGB3 (cyclic nucleotide gated channel subunit beta 3; minus strand). Cytogenetic location: 8q21.3.
Variant type: single nucleotide variant.
Coding change: c.208C>T on transcript NM_019098.5 (MANE Select); coding-DNA position 208, C replaced by T.
Protein change: p.Gln70Ter; replaces glutamine 70 with a stop codon.
Molecular consequence: nonsense.
Genome position (GRCh38, 1-based): chr8:86,739,658, G>A on the plus strand (C>T on the coding strand, the complement: CNGB3 is on the minus strand). VCF-style: chr8-86739658-G-A. GRCh37 (hg19) VCF-style: chr8-87751886-G-A.
Other names: short protein forms Q70*.
Identifiers: ClinVar variation 427681 (VCV000427681.8), dbSNP rs1052078370, ClinGen allele CA371456648.

ClinVar aggregate classification (germline): Pathogenic. Review status: criteria provided, multiple submitters, no conflicts (2 of 4 stars). 4 submissions from 4 submitters: Pathogenic (3). 1 of the submissions does not count toward it. Last evaluated 2025-08-31.

Conditions:
CNGB3-related disorder. Also called: CNGB3-related disorders; CNGB3-related condition. Identifiers: MedGen CN239340.
Achromatopsia 3 (ACHM3). Also called: PINGELAPESE BLINDNESS; ACHROMATOPSIA WITH MYOPIA; TOTAL COLORBLINDNESS WITH MYOPIA; ROD MONOCHROMACY 1; ROD MONOCHROMATISM 1. Identifiers: Orphanet 49382, MedGen C1849792, MONDO:0009875, OMIM 262300.

gnomAD v4.1: 3 of 1,538,752 alleles (0.00019%); highest among the groups gnomAD compares: Non-Finnish European, 0.00026%; no homozygotes.

Submissions (4):

Labcorp Genetics (formerly Invitae), Labcorp
Classification: Pathogenic. Last evaluated: 2025-08-31. Review status: criteria provided, single submitter. Criteria: Invitae Variant Classification Sherloc (09022015). Collection method: clinical testing. Allele origin: germline.
Comment: This sequence change creates a premature translational stop signal (p.Gln70*) in the CNGB3 gene. It is expected to result in an absent or disrupted protein product. Loss-of-function variants in CNGB3 are known to be pathogenic (PMID: 28795510). This variant is present in population databases (no rsID available, gnomAD 0.0009%). This premature translational stop signal has been observed in individual(s) with achromatopsia (PMID: 28795510). ClinVar contains an entry for this variant (Variation ID: 427681). For these reasons, this variant has been classified as Pathogenic.

Fulgent Genetics
Classification: Pathogenic for Achromatopsia 3. Last evaluated: 2024-03-15. Review status: criteria provided, single submitter. Criteria: ACMG Guidelines, 2015. Collection method: clinical testing. Allele origin: germline.

Blueprint Genetics
Classification: Pathogenic for CNGB3-related disorders. Last evaluated: 2020-04-16. Review status: criteria provided, single submitter. Criteria: ACMG Guidelines, 2015. Collection method: clinical testing. Allele origin: germline. Affected: yes. Observed: 3 variant alleles.

Molecular Genetics Laboratory, Institute for Ophthalmic Research
Classification: Pathogenic for ACHM3. Last evaluated: 2017-03-27. Review status: no assertion criteria provided. Collection method: research. Allele origin: maternal. Affected: yes. Not counted in ClinVar's aggregate classification.

Literature cited by the submitters: PubMed 28795510 (cited by Labcorp Genetics (formerly Invitae), Labcorp and Molecular Genetics Laboratory, Institute for Ophthalmic Research).